The following is an entry in ClinVar:

ClinVar aggregate classification (germline): Uncertain significance. Review status: criteria provided, multiple submitters, no conflicts (2 of 4 stars). 2 submissions from 2 submitters: Uncertain significance (2). Last evaluated 2024-11-25.

Conditions:
Inborn genetic diseases. Identifiers: MedGen C0950123, MeSH D030342.
Pulmonary fibrosis and/or bone marrow failure, Telomere-related, 3. Also called: PULMONARY FIBROSIS AND/OR BONE MARROW FAILURE SYNDROME, TELOMERE-RELATED, 3. Identifiers: Orphanet 2032, MedGen C4225346, MONDO:0014613, OMIM 616373.
Dyskeratosis congenita, autosomal recessive 5 (DKCB5). Identifiers: MedGen C3554656, MONDO:0014076, OMIM 615190.

Allele frequency attached by ClinVar (database versions not stated): gnomAD exomes below 0.00001 and 0.00001; TOPMed below 0.00001; ExAC 0.00001; gnomAD 0.00001; ESP Exome Variant Server 0.00008.
gnomAD v4.1: 6 of 1,610,728 alleles (0.00037%); highest among the groups gnomAD compares: Admixed American, 0.005%; no homozygotes.

Submissions (2):

Ambry Genetics
Classification: Uncertain significance for Inborn genetic diseases. Last evaluated: 2024-11-25. Review status: criteria provided, single submitter. Criteria: Ambry Variant Classification Scheme 2023. Collection method: clinical testing. Allele origin: germline.
Comment: The p.K581R variant (also known as c.1742A>G), located in coding exon 20 of the RTEL1 gene, results from an A to G substitution at nucleotide position 1742. The lysine at codon 581 is replaced by arginine, an amino acid with highly similar properties. This amino acid position is conserved. In addition, this alteration is predicted to be tolerated by in silico analysis. Based on the available evidence, the clinical significance of this variant remains unclear.

Labcorp Genetics (formerly Invitae), Labcorp
Classification: Uncertain significance for Dyskeratosis congenita, autosomal recessive 5; Pulmonary fibrosis and/or bone marrow failure, Telomere-related, 3. Last evaluated: 2024-10-21. Review status: criteria provided, single submitter. Criteria: Invitae Variant Classification Sherloc (09022015). Collection method: clinical testing. Allele origin: germline.
Comment: This sequence change replaces lysine, which is basic and polar, with arginine, which is basic and polar, at codon 581 of the RTEL1 protein (p.Lys581Arg). This variant is present in population databases (rs376161950, gnomAD 0.003%). This variant has not been reported in the literature in individuals affected with RTEL1-related conditions. ClinVar contains an entry for this variant (Variation ID: 653451). An algorithm developed to predict the effect of missense changes on protein structure and function outputs the following: PolyPhen-2: "Benign". The arginine amino acid residue is found in multiple mammalian species, which suggests that this missense change does not adversely affect protein function. In summary, the available evidence is currently insufficient to determine the role of this variant in disease. Therefore, it has been classified as a Variant of Uncertain Significance.

NM_001283009.2(RTEL1):c.1742A>G (p.Lys581Arg)

Genes: RTEL1 (regulator of telomere elongation helicase 1; plus strand), RTEL1-TNFRSF6B (RTEL1-TNFRSF6B readthrough (NMD candidate); plus strand). Cytogenetic location: 20q13.33.
Variant type: single nucleotide variant.
Coding change: c.1742A>G on transcript NM_001283009.2 (MANE Select); coding-DNA position 1742, A replaced by G.
Protein change: p.Lys581Arg; replaces lysine 581 with arginine.
Molecular consequence: missense variant. On other transcripts: non-coding transcript variant (1).
Genome position (GRCh38, 1-based): chr20:63,688,547, A>G. VCF-style: chr20-63688547-A-G. GRCh37 (hg19) VCF-style: chr20-62319900-A-G.
Other names: c.1073A>G, p.Lys358Arg (NM_001283010.1); c.1742A>G, p.Lys581Arg (NM_016434.4); c.1814A>G, p.Lys605Arg (NM_032957.5); short protein forms K581R, K358R, K605R.
Identifiers: ClinVar variation 653451 (VCV000653451.9), dbSNP rs376161950, ClinGen allele CA9964963.